The following is an entry in ClinVar:

NM_001171613.2(PREPL):c.1411G>C (p.Ala471Pro)

Gene: PREPL (prolyl endopeptidase like; minus strand). Cytogenetic location: 2p21.
Variant type: single nucleotide variant.
Coding change: c.1411G>C on transcript NM_001171613.2 (MANE Select); coding-DNA position 1411, G replaced by C.
Protein change: p.Ala471Pro; replaces alanine 471 with proline.
Molecular consequence: missense variant.
Genome position (GRCh38, 1-based): chr2:44,326,780, C>G on the plus strand (G>C on the coding strand, the complement: PREPL is on the minus strand). VCF-style: chr2-44326780-C-G. GRCh37 (hg19) VCF-style: chr2-44553919-C-G.
Other names: c.1678G>C, p.Ala560Pro (NM_006036.4, NM_001171603.1, NM_001171606.2 and 2 more transcripts); c.1492G>C, p.Ala498Pro (NM_001042385.2); c.1480G>C, p.Ala494Pro (NM_001042386.2); c.1411G>C, p.Ala471Pro (NM_001171617.1, NM_001374277.1); short protein forms A560P, A494P, A471P, A498P.
Identifiers: ClinVar variation 598024 (VCV000598024.14), dbSNP rs371299047, ClinGen allele CA1641123.
Genomic context (GRCh38, chr2:44,326,780, plus strand): 5'-TCACCGCTCTCACCAGCTCTGGATTAGAATTACACAATGCTCCTGCAAGCACCCCTCCAG[C>G]ACTGAAAGCAGTCAGGGTTGTTAGACTTGGCTGAGAAAAGCCTTGGCCATGAAGCGTCTT-3'
Protein context (NP_001165084.1, residues 461-481): PSLTTLTAFS[Ala471Pro]GGVLAGALCN

ClinVar aggregate classification (germline): Uncertain significance. Review status: criteria provided, multiple submitters, no conflicts (2 of 4 stars). 4 submissions from 4 submitters: Uncertain significance (4). Last evaluated 2024-02-09.

Conditions:
Myasthenic syndrome, congenital, 22 (CMS22). Also called: PREPL DEFICIENCY. Identifiers: MedGen C4479088, MONDO:0044299, OMIM 616224.
Inborn genetic diseases. Identifiers: MedGen C0950123, MeSH D030342.

Allele frequency attached by ClinVar (database versions not stated): gnomAD exomes 0.00005; gnomAD 0.00003; TOPMed 0.00004; ESP Exome Variant Server 0.00008; ExAC 0.00005.
gnomAD v4.1: 80 of 1,614,052 alleles (0.005%); highest among the groups gnomAD compares: Admixed American, 0.01%; no homozygotes.

Submissions (4):

Fulgent Genetics
Classification: Uncertain significance for Myasthenic syndrome, congenital, 22. Last evaluated: 2024-02-09. Review status: criteria provided, single submitter. Criteria: ACMG Guidelines, 2015. Collection method: clinical testing. Allele origin: germline.

Labcorp Genetics (formerly Invitae), Labcorp
Classification: Uncertain significance for Myasthenic syndrome, congenital, 22. Last evaluated: 2022-08-05. Review status: criteria provided, single submitter. Criteria: Invitae Variant Classification Sherloc (09022015). Collection method: clinical testing. Allele origin: germline.
Comment: This sequence change replaces alanine, which is neutral and non-polar, with proline, which is neutral and non-polar, at codon 560 of the PREPL protein (p.Ala560Pro). This variant is present in population databases (rs371299047, gnomAD 0.01%). This variant has not been reported in the literature in individuals affected with PREPL-related conditions. ClinVar contains an entry for this variant (Variation ID: 598024). Algorithms developed to predict the effect of missense changes on protein structure and function are either unavailable or do not agree on the potential impact of this missense change (SIFT: "Deleterious"; PolyPhen-2: "Probably Damaging"; Align-GVGD: "Class C0"). In summary, the available evidence is currently insufficient to determine the role of this variant in disease. Therefore, it has been classified as a Variant of Uncertain Significance.

Ambry Genetics
Classification: Uncertain significance for Inborn genetic diseases. Last evaluated: 2021-09-01. Review status: criteria provided, single submitter. Criteria: Ambry Variant Classification Scheme 2023. Collection method: clinical testing. Allele origin: germline.

Eurofins Ntd Llc (ga)
Classification: Uncertain significance. Last evaluated: 2018-07-20. Review status: criteria provided, single submitter. Criteria: EGL ClinVar v180209 classification definitions. Collection method: clinical testing. Allele origin: germline. Observed: 3 variant alleles, 3 heterozygotes.